The following is an entry in ClinVar:

NM_000051.4(ATM):c.2485C>G (p.Pro829Ala)

Gene: ATM (ATM serine/threonine kinase; plus strand). Cytogenetic location: 11q22.3.
Variant type: single nucleotide variant.
Coding change: c.2485C>G on transcript NM_000051.4 (MANE Select); coding-DNA position 2485, C replaced by G.
Protein change: p.Pro829Ala; replaces proline 829 with alanine.
Molecular consequence: missense variant.
Genome position (GRCh38, 1-based): chr11:108,267,189, C>G. VCF-style: chr11-108267189-C-G. GRCh37 (hg19) VCF-style: chr11-108137916-C-G.
Other names: c.2485C>G, p.Pro829Ala (NM_001351834.2); short protein forms P829A.
Identifiers: ClinVar variation 407477 (VCV000407477.12), dbSNP rs1060501546, ClinGen allele CA16613091.

ClinVar aggregate classification (germline): Conflicting classifications of pathogenicity. Review status: criteria provided, conflicting classifications (1 of 4 stars). 2 submissions from 2 submitters: Uncertain significance (1); Likely benign (1). Last evaluated 2025-03-27.

Conditions:
Ataxia-telangiectasia syndrome (AT). Also called: Ataxia telangiectasia (A-T); LOUIS-BAR SYNDROME; Cerebello-oculocutaneous telangiectasia; Immunodeficiency with ataxia telangiectasia; Ataxia-telangiectasia, complementation group D; AT, COMPLEMENTATION GROUP C. Identifiers: Orphanet 100, MedGen C0004135, MONDO:0008840, OMIM 208900.
Hereditary cancer-predisposing syndrome. Also called: Hereditary neoplastic syndrome; Neoplastic Syndromes, Hereditary; Tumor predisposition; Hereditary Cancer Syndrome. Identifiers: Orphanet 140162, MedGen C0027672, MeSH D009386, MONDO:0015356.

gnomAD v4.1: 2 of 1,613,986 alleles (0.00012%); highest among the groups gnomAD compares: South Asian, 0.0011%; no homozygotes.

Submissions (2):

Ambry Genetics
Classification: Likely benign for Hereditary cancer-predisposing syndrome. Last evaluated: 2025-03-27. Review status: criteria provided, single submitter. Criteria: Ambry Variant Classification Scheme 2023. Collection method: clinical testing. Allele origin: germline.

Labcorp Genetics (formerly Invitae), Labcorp
Classification: Uncertain significance for Ataxia-telangiectasia syndrome. Last evaluated: 2023-05-18. Review status: criteria provided, single submitter. Criteria: Invitae Variant Classification Sherloc (09022015). Collection method: clinical testing. Allele origin: germline.
Comment: In summary, the available evidence is currently insufficient to determine the role of this variant in disease. Therefore, it has been classified as a Variant of Uncertain Significance. An algorithm developed to predict the effect of missense changes on protein structure and function (PolyPhen-2) suggests that this variant is likely to be tolerated. This variant is not present in population databases (gnomAD no frequency). ClinVar contains an entry for this variant (Variation ID: 407477). This variant has not been reported in the literature in individuals affected with ATM-related conditions. This sequence change replaces proline, which is neutral and non-polar, with alanine, which is neutral and non-polar, at codon 829 of the ATM protein (p.Pro829Ala).